The following is an entry in ClinVar:

NM_178012.5(TUBB2B):c.912C>T (p.Asp304=)

Gene: TUBB2B (tubulin beta 2B class IIb; minus strand). Cytogenetic location: 6p25.2.
Variant type: single nucleotide variant.
Coding change: c.912C>T on transcript NM_178012.5 (MANE Select); coding-DNA position 912, C replaced by T.
Protein change: p.Asp304=; no amino-acid change (aspartic acid 304 retained).
Molecular consequence: synonymous variant.
Genome position (GRCh38, 1-based): chr6:3,225,177, G>A on the plus strand (C>T on the coding strand, the complement: TUBB2B is on the minus strand). VCF-style: chr6-3225177-G-A. GRCh37 (hg19) VCF-style: chr6-3225411-G-A.
Identifiers: ClinVar variation 513551 (VCV000513551.1), dbSNP rs1554126885, ClinGen allele CA448707440.
Genomic context (GRCh38, chr6:3,225,177, plus strand): 5'-CTTCATGGACATGCGGCCCCGGAAGATGGCAGCCACCGTCAGGTAGCGGCCGTGGCGCGG[G>A]TCGCAGGCGGCCATCATGTTCTTGGAGTCGAACATCTGCTGGGTGAGCTCGGGCACCGTG-3'
Protein context (NP_821080.1, residues 294-314): FDSKNMMAAC[Asp304=]PRHGRYLTVA

ClinVar aggregate classification (germline): Likely benign (1 of 4 stars; one submission).

Submission:

GeneDx
Classification: Likely benign. Last evaluated: 2017-11-22. Review status: criteria provided, single submitter. Criteria: GeneDx Variant Classification (06012015). Collection method: clinical testing. Allele origin: germline. Affected: yes.
Comment: This variant is considered likely benign or benign based on one or more of the following criteria: it is a conservative change, it occurs at a poorly conserved position in the protein, it is predicted to be benign by multiple in silico algorithms, and/or has population frequency not consistent with disease.